The following is an entry in ClinVar:

NM_002700.3(POU4F3):c.405G>A (p.Pro135=)

Genes: RBM27-POU4F3 (RBM27-POU4F3 readthrough; plus strand), POU4F3 (POU class 4 homeobox 3; plus strand). Cytogenetic location: 5q32.
Variant type: single nucleotide variant.
Coding change: c.405G>A on transcript NM_002700.3 (MANE Select); coding-DNA position 405, G replaced by A.
Protein change: p.Pro135=; no amino-acid change (proline 135 retained).
Molecular consequence: synonymous variant.
Genome position (GRCh38, 1-based): chr5:146,339,832, G>A. VCF-style: chr5-146339832-G-A. GRCh37 (hg19) VCF-style: chr5-145719395-G-A.
Identifiers: ClinVar variation 904355 (VCV000904355.12), dbSNP rs145372405, ClinGen allele CA3491122.

ClinVar aggregate classification (germline): Conflicting classifications of pathogenicity. Review status: criteria provided, conflicting classifications (1 of 4 stars). 4 submissions from 4 submitters: Uncertain significance (2); Likely benign (1). 1 of the submissions does not count toward it. Last evaluated 2022-07-18.

Conditions:
POU4F3-related disorder. Also called: POU4F3-related condition.
Autosomal dominant nonsyndromic hearing loss 15 (DFNA15). Also called: Autosomal dominant nonsyndromic hearing loss 52; DEAFNESS, AUTOSOMAL DOMINANT 52. Identifiers: Orphanet 90635, MedGen C1865366, MONDO:0011226, OMIM 602459.

Allele frequency attached by ClinVar (database versions not stated): ExAC 0.00002; gnomAD exomes 0.00003 and 0.00010; gnomAD 0.00004 and 0.00005; TOPMed 0.00004; ESP Exome Variant Server 0.00015.

Submissions (4):

Labcorp Genetics (formerly Invitae), Labcorp
Classification: Likely benign. Last evaluated: 2022-07-18. Review status: criteria provided, single submitter. Criteria: Invitae Variant Classification Sherloc (09022015). Collection method: clinical testing. Allele origin: germline.

GeneDx
Classification: Uncertain significance. Last evaluated: 2020-07-02. Review status: criteria provided, single submitter. Criteria: GeneDx Variant Classification Process June 2021. Collection method: clinical testing. Allele origin: germline. Affected: yes.
Comment: Has not been previously published as pathogenic or benign to our knowledge; In-silico analysis, which includes splice predictors and evolutionary conservation, is inconclusive as to whether the variant alters gene splicing. In the absence of RNA/functional studies, the actual effect of this sequence change is unknown.

Illumina Laboratory Services, Illumina
Classification: Uncertain significance for Autosomal dominant nonsyndromic hearing loss 15. Last evaluated: 2018-01-13. Review status: criteria provided, single submitter. Criteria: ICSL Variant Classification Criteria 13 December 2019. Collection method: clinical testing. Allele origin: germline.

PreventionGenetics, part of Exact Sciences
Classification: Likely benign for POU4F3-related condition. Last evaluated: 2023-12-19. Review status: no assertion criteria provided. Collection method: clinical testing. Allele origin: germline. Not counted in ClinVar's aggregate classification.
Comment: This variant is classified as likely benign based on ACMG/AMP sequence variant interpretation guidelines (Richards et al. 2015 PMID: 25741868, with internal and published modifications).